The following is an entry in ClinVar:

ClinVar aggregate classification (germline): Uncertain significance. Review status: criteria provided, multiple submitters, no conflicts (2 of 4 stars). 2 submissions from 2 submitters: Uncertain significance (2). Last evaluated 2024-11-18.

Submissions (2):

Labcorp Genetics (formerly Invitae), Labcorp
Classification: Uncertain significance. Last evaluated: 2024-11-18. Review status: criteria provided, single submitter. Criteria: Invitae Variant Classification Sherloc (09022015). Collection method: clinical testing. Allele origin: germline.
Comment: This sequence change replaces proline, which is neutral and non-polar, with histidine, which is basic and polar, at codon 32 of the HOXB13 protein (p.Pro32His). This variant is not present in population databases (gnomAD no frequency). This variant has not been reported in the literature in individuals affected with HOXB13-related conditions. ClinVar contains an entry for this variant (Variation ID: 2689221). An algorithm developed to predict the effect of missense changes on protein structure and function (PolyPhen-2) suggests that this variant is likely to be disruptive. In summary, the available evidence is currently insufficient to determine the role of this variant in disease. Therefore, it has been classified as a Variant of Uncertain Significance.

Revvity Omics, Revvity
Classification: Uncertain significance. Last evaluated: 2022-05-12. Review status: criteria provided, single submitter. Criteria: ACMG Guidelines, 2015. Collection method: clinical testing. Allele origin: germline.

NM_006361.6(HOXB13):c.95C>A (p.Pro32His)

Gene: HOXB13 (homeobox B13; minus strand). Cytogenetic location: 17q21.32.
Variant type: single nucleotide variant.
Coding change: c.95C>A on transcript NM_006361.6 (MANE Select); coding-DNA position 95, C replaced by A.
Protein change: p.Pro32His; replaces proline 32 with histidine.
Molecular consequence: missense variant.
Genome position (GRCh38, 1-based): chr17:48,728,499, G>T on the plus strand (C>A on the coding strand, the complement: HOXB13 is on the minus strand). VCF-style: chr17-48728499-G-T. GRCh37 (hg19) VCF-style: chr17-46805861-G-T.
Other names: short protein forms P32H.
Identifiers: ClinVar variation 2689221 (VCV002689221.4), dbSNP rs2143075154, ClinGen allele CA400109406.